The following is an entry in ClinVar:

ClinVar aggregate classification (germline): Pathogenic (1 of 4 stars; one submission).

Conditions:
Propionic acidemia (PROP). Also called: GLYCINEMIA, KETOTIC; HYPERGLYCINEMIA WITH KETOACIDOSIS AND LEUKOPENIA; KETOTIC HYPERGLYCINEMIA. Identifiers: Orphanet 35, MedGen C0268579, MONDO:0011628, OMIM 606054, HP:0003571.

Submissions (2):

Labcorp Genetics (formerly Invitae), Labcorp
Classification: Pathogenic for Propionic acidemia. Last evaluated: 2023-10-04. Review status: criteria provided, single submitter. Criteria: Invitae Variant Classification Sherloc (09022015). Collection method: clinical testing. Allele origin: germline.
Comment: This sequence change affects a donor splice site in intron 19 of the PCCA gene. It is expected to disrupt RNA splicing. Variants that disrupt the donor or acceptor splice site typically lead to a loss of protein function (PMID: 16199547), and loss-of-function variants in PCCA are known to be pathogenic (PMID: 15464417). This variant is not present in population databases (gnomAD no frequency). Disruption of this splice site has been observed in individual(s) with propionic acidemia (PMID: 25047749). Algorithms developed to predict the effect of sequence changes on RNA splicing suggest that this variant may disrupt the consensus splice site. For these reasons, this variant has been classified as Pathogenic.

Dr. Peter K. Rogan Lab, Western University
No classification provided (evidence only). Condition: Nonpapillary renal cell carcinoma. Review status: no classification provided. Collection method: in vitro. Allele origin: not applicable. Functional consequence: retained intron. Not counted in ClinVar's aggregate classification.

Literature cited by the submitters: PubMed 16199547 (cited by Labcorp Genetics (formerly Invitae), Labcorp); PubMed 15464417 (cited by Labcorp Genetics (formerly Invitae), Labcorp); PubMed 25047749 (cited by Labcorp Genetics (formerly Invitae), Labcorp).

NM_000282.4(PCCA):c.1746+2T>C

Gene: PCCA (propionyl-CoA carboxylase subunit alpha; plus strand). Cytogenetic location: 13q32.3.
Variant type: single nucleotide variant.
Coding change: c.1746+2T>C on transcript NM_000282.4 (MANE Select); the canonical splice donor site of the intron after coding-DNA position 1746, T replaced by C.
Molecular consequence: splice donor variant.
Genome position (GRCh38, 1-based): chr13:100,368,576, T>C. VCF-style: chr13-100368576-T-C. GRCh37 (hg19) VCF-style: chr13-101020830-T-C.
Other names: c.1746+2T>C (NM_001178004.2, NM_001352605.2, NM_001352609.2); c.1602+2T>C (NM_001352606.2); c.801+2T>C (NM_001352610.2, NM_001352611.2); c.657+2T>C (NM_001352612.2); c.1668+2T>C (NM_001127692.3, NM_001352607.2); c.1524+2T>C (NM_001352608.2).
Identifiers: ClinVar variation 2765099 (VCV002765099.4), dbSNP rs2548445790, ClinGen allele CA388698368.
Genomic context (GRCh38, chr13:100,368,576, plus strand): 5'-TAAAATTGCATGATAAAGTTCATACCGTAGTAGCATCAAACAATGGGTCAGTGTTCTCGG[T>C]GAGTTTTCTTTCTTTATTTTCTTGGTAATCTTGATGTTATCTATGAATATTTAAAGCCAT-3'